The following is an entry in ClinVar:

ClinVar aggregate classification (germline): Uncertain significance (1 of 4 stars; one submission).

Allele frequency attached by ClinVar (database versions not stated): gnomAD exomes 0.00001.
gnomAD v4.1: 7 of 1,321,618 alleles (0.00053%); highest among the groups gnomAD compares: South Asian, 0.0044%; no homozygotes.

Submission:

Labcorp Genetics (formerly Invitae), Labcorp
Classification: Uncertain significance. Last evaluated: 2022-03-17. Review status: criteria provided, single submitter. Criteria: Invitae Variant Classification Sherloc (09022015). Collection method: clinical testing. Allele origin: germline.
Comment: In summary, the available evidence is currently insufficient to determine the role of this variant in disease. Therefore, it has been classified as a Variant of Uncertain Significance. Algorithms developed to predict the effect of missense changes on protein structure and function (SIFT, PolyPhen-2, Align-GVGD) all suggest that this variant is likely to be tolerated. This variant has not been reported in the literature in individuals affected with HES7-related conditions. This variant is not present in population databases (gnomAD no frequency). This sequence change replaces leucine, which is neutral and non-polar, with proline, which is neutral and non-polar, at codon 197 of the HES7 protein (p.Leu197Pro).

NM_001165967.2(HES7):c.605T>C (p.Leu202Pro)

Genes: HES7 (hes family bHLH transcription factor 7; minus strand), LOC130060203 (ATAC-STARR-seq lymphoblastoid silent region 8155; plus strand). Cytogenetic location: 17p13.1.
Variant type: single nucleotide variant.
Coding change: c.605T>C on transcript NM_001165967.2 (MANE Select); coding-DNA position 605, T replaced by C.
Protein change: p.Leu202Pro; replaces leucine 202 with proline.
Molecular consequence: missense variant.
Genome position (GRCh38, 1-based): chr17:8,121,659, A>G on the plus strand (T>C on the coding strand, the complement: HES7 is on the minus strand). VCF-style: chr17-8121659-A-G. GRCh37 (hg19) VCF-style: chr17-8024977-A-G.
Other names: c.590T>C, p.Leu197Pro (NM_032580.4); short protein forms L202P, L197P.
Identifiers: ClinVar variation 1910656 (VCV001910656.4), dbSNP rs2507857264, ClinGen allele CA397987262.